The following is an entry in ClinVar:

NM_001025356.3(ANO6):c.143C>T (p.Pro48Leu)

Gene: ANO6 (anoctamin 6; plus strand). Cytogenetic location: 12q12.
Variant type: single nucleotide variant.
Coding change: c.143C>T on transcript NM_001025356.3 (MANE Select); coding-DNA position 143, C replaced by T.
Protein change: p.Pro48Leu; replaces proline 48 with leucine.
Molecular consequence: missense variant.
Genome position (GRCh38, 1-based): chr12:45,302,086, C>T. VCF-style: chr12-45302086-C-T. GRCh37 (hg19) VCF-style: chr12-45695869-C-T.
Other names: c.89C>T, p.Pro30Leu (NM_001142678.2); c.143C>T, p.Pro48Leu (NM_001142679.2); c.206C>T, p.Pro69Leu (NM_001204803.2); c.110C>T, p.Pro37Leu (NM_001410973.1); short protein forms P30L, P48L, P69L, P37L.
Identifiers: ClinVar variation 2070898 (VCV002070898.3), dbSNP rs770877324, ClinGen allele CA6524889.

ClinVar aggregate classification (germline): Uncertain significance (1 of 4 stars; one submission).

Allele frequency attached by ClinVar (database versions not stated): gnomAD 0.00001; ExAC 0.00002.
gnomAD v4.1: 49 of 1,613,632 alleles (0.003%); highest among the groups gnomAD compares: Admixed American, 0.013%; no homozygotes.

Submission:

Labcorp Genetics (formerly Invitae), Labcorp
Classification: Uncertain significance. Last evaluated: 2022-08-06. Review status: criteria provided, single submitter. Criteria: Invitae Variant Classification Sherloc (09022015). Collection method: clinical testing. Allele origin: germline.
Comment: This sequence change replaces proline, which is neutral and non-polar, with leucine, which is neutral and non-polar, at codon 48 of the ANO6 protein (p.Pro48Leu). In summary, the available evidence is currently insufficient to determine the role of this variant in disease. Therefore, it has been classified as a Variant of Uncertain Significance. Advanced modeling of protein sequence and biophysical properties (such as structural, functional, and spatial information, amino acid conservation, physicochemical variation, residue mobility, and thermodynamic stability) performed at Invitae indicates that this missense variant is not expected to disrupt ANO6 protein function. This variant has not been reported in the literature in individuals affected with ANO6-related conditions. This variant is present in population databases (rs770877324, gnomAD 0.01%).